The following is an entry in ClinVar:

ClinVar aggregate classification (germline): Benign. Review status: criteria provided, multiple submitters, no conflicts (2 of 4 stars). 3 submissions from 3 submitters: Benign (3). Last evaluated 2024-03-16.

Conditions:
Idiopathic generalized epilepsy. Also called: Generalised epilepsy; EIG. Identifiers: MedGen C0270850, MONDO:0005579, OMIM 600669.

Allele frequency attached by ClinVar (database versions not stated): gnomAD exomes 0.00371 and 0.00149; gnomAD 0.01477 and 0.01581; ESP Exome Variant Server 0.01363; TOPMed 0.01681; 1000 Genomes Project 30x 0.01843; 1000 Genomes Project 0.01777; ExAC 0.01025.
gnomAD v4.1: 4,424 of 1,513,300 alleles (0.29%); highest among the groups gnomAD compares: African/African-American, 5%; 95 homozygotes.

Submissions (3):

Labcorp Genetics (formerly Invitae), Labcorp
Classification: Benign for Idiopathic generalized epilepsy. Last evaluated: 2024-03-16. Review status: criteria provided, single submitter. Criteria: Invitae Variant Classification Sherloc (09022015). Collection method: clinical testing. Allele origin: germline.

GeneDx
Classification: Benign. Last evaluated: 2013-03-18. Review status: criteria provided, single submitter. Criteria: GeneDx Variant Classification (06012015). Collection method: clinical testing. Allele origin: germline. Affected: yes.
Comment: This variant is considered likely benign or benign based on one or more of the following criteria: it is a conservative change, it occurs at a poorly conserved position in the protein, it is predicted to be benign by multiple in silico algorithms, and/or has population frequency not consistent with disease.

Breakthrough Genomics
Classification: Benign. Review status: criteria provided, single submitter. Criteria: ACMG Guidelines, 2015. Collection method: not provided. Allele origin: germline. Inheritance: Autosomal dominant inheritance. Affected: yes.

NM_000726.5(CACNB4):c.1116+18T>C

Gene: CACNB4 (calcium voltage-gated channel auxiliary subunit beta 4; minus strand). Cytogenetic location: 2q23.3.
Variant type: single nucleotide variant.
Coding change: c.1116+18T>C on transcript NM_000726.5 (MANE Select); 18 bases into the intron after coding-DNA position 1116, T replaced by C.
Molecular consequence: intron variant.
Genome position (GRCh38, 1-based): chr2:151,853,430, A>G on the plus strand (T>C on the coding strand, the complement: CACNB4 is on the minus strand). VCF-style: chr2-151853430-A-G. GRCh37 (hg19) VCF-style: chr2-152709944-A-G.
Other names: c.1116+18T>C (NM_001145798.2); c.873+18T>C (NM_001330113.2); c.1062+18T>C (NM_001005746.4); c.825+18T>C (NM_001330115.2); c.1014+18T>C (NM_001005747.4); c.786+18T>C (NM_001330116.2); c.462+18T>C (NM_001330114.2); c.975+18T>C (NM_001320722.3, NM_001330118.1); and 1 more.
Identifiers: ClinVar variation 136654 (VCV000136654.10), dbSNP rs115324887, ClinGen allele CA289957.